The following is an entry in ClinVar:

ClinVar aggregate classification (germline): Pathogenic/Likely pathogenic. Review status: criteria provided, multiple submitters, no conflicts (2 of 4 stars). 3 submissions from 3 submitters: Pathogenic (1); Likely pathogenic (1). 1 of the submissions does not count toward it. Last evaluated 2026-06-23.

Conditions:
Polycystic kidney disease 4 (PKD4). Also called: Autosomal Recessive Polycystic Kidney Disease – PKHD1; PKD3; POLYCYSTIC KIDNEY DISEASE 4 WITH OR WITHOUT POLYCYSTIC LIVER DISEASE; POLYCYSTIC KIDNEY AND HEPATIC DISEASE 1; POLYCYSTIC KIDNEY DISEASE, INFANTILE, TYPE I. Identifiers: MedGen C4540575, MONDO:0033004, OMIM 263200.

Submissions (3):

Myriad Genetics, Inc.
Classification: Likely pathogenic for Polycystic kidney disease 4. Last evaluated: 2026-06-23. Review status: criteria provided, single submitter. Criteria: Myriad Autosomal Dominant, Autosomal Recessive and X-Linked Classification Criteria (2023). Collection method: clinical testing. Allele origin: unknown.
Comment: NM_138694.3(PKHD1):c.7912-2A>G is a variant in a canonical splice site classified as likely pathogenic in the context of autosomal recessive polycystic kidney disease, PKHD1-related. c.7912-2A>G has been observed in a case with relevant disease (PMID: 27225849). Relevant functional assessments of this variant are not available in the literature. c.7912-2A>G has not been observed in referenced population frequency databases. In summary, NM_138694.3(PKHD1):c.7912-2A>G is a variant in a canonical splice site in a gene where loss of function is a known mechanism of disease, is predicted to disrupt protein function, and has been observed more frequently in cases with the relevant disease than in healthy populations. Please note: this variant was assessed in the context of healthy population screening.

Baylor Genetics
Classification: Pathogenic for Polycystic kidney disease 4. Last evaluated: 2023-05-22. Review status: criteria provided, single submitter. Criteria: ACMG Guidelines, 2015. Collection method: clinical testing. Allele origin: unknown.

Counsyl
Classification: Likely pathogenic for Polycystic kidney disease 4. Last evaluated: 2018-01-26. Review status: no assertion criteria provided. Collection method: clinical testing. Allele origin: unknown. Not counted in ClinVar's aggregate classification.

Literature cited by the submitters: PubMed 27225849 (cited by Myriad Genetics, Inc. and Counsyl).

NM_138694.4(PKHD1):c.7912-2A>G

Gene: PKHD1 (PKHD1 ciliary IPT domain containing fibrocystin/polyductin; minus strand). Cytogenetic location: 6p12.2.
Variant type: single nucleotide variant.
Coding change: c.7912-2A>G on transcript NM_138694.4 (MANE Select); the canonical splice acceptor site of the intron before coding-DNA position 7912, A replaced by G.
Molecular consequence: splice acceptor variant.
Genome position (GRCh38, 1-based): chr6:51,847,972, T>C on the plus strand (A>G on the coding strand, the complement: PKHD1 is on the minus strand). VCF-style: chr6-51847972-T-C. GRCh37 (hg19) VCF-style: chr6-51712770-T-C.
Other names: c.7912-2A>G (NM_170724.3).
Identifiers: ClinVar variation 556382 (VCV000556382.4), dbSNP rs1554271235, ClinGen allele CA364429648.